The following is an entry in ClinVar:

NM_002474.3(MYH11):c.4305T>G (p.Asp1435Glu)

Genes: NDE1 (nudE neurodevelopment protein 1; plus strand), MYH11 (myosin heavy chain 11; minus strand). Cytogenetic location: 16p13.11.
Variant type: single nucleotide variant.
Coding change: c.4305T>G on transcript NM_002474.3 (MANE Select); coding-DNA position 4305, T replaced by G.
Protein change: p.Asp1435Glu; replaces aspartic acid 1435 with glutamic acid.
Molecular consequence: missense variant.
Genome position (GRCh38, 1-based): chr16:15,724,221, A>C on the plus strand (T>G on the coding strand, the complement: MYH11 is on the minus strand). VCF-style: chr16-15724221-A-C. GRCh37 (hg19) VCF-style: chr16-15818078-A-C.
Other names: c.4326T>G, p.Asp1442Glu (NM_001040113.2, NM_001040114.2); c.4305T>G, p.Asp1435Glu (NM_022844.3); c.978A>C, p.Lys326Asn (NM_001143979.2, NM_017668.3); short protein forms D1435E, D1442E, K326N.
Identifiers: ClinVar variation 3718806 (VCV003718806.2).
Genomic context (GRCh38, chr16:15,724,221, plus strand): 5'-CTGATCAAATTTCCTCTGCTTCTTTTCCAGGTTGGACACGAGTTGCCGCTGGTTGTCCAA[A>C]TCAACAACCAGGTCGTCCAGCTCCTGCTGAAGCCTGTTCTTGGTCTTTTCCAGTTTATCA-3'
Protein context (NP_002465.1, residues 1425-1445): LQQELDDLVV[Asp1435Glu]LDNQRQLVSN

ClinVar aggregate classification (germline): Uncertain significance (1 of 4 stars; one submission).

Conditions:
Aortic aneurysm, familial thoracic 4 (AAT4). Also called: AORTIC ANEURYSM/AORTIC DISSECTION AND PATENT DUCTUS ARTERIOSUS. Identifiers: MedGen C1851504, MONDO:0007568, OMIM 132900.

Submission:

Labcorp Genetics (formerly Invitae), Labcorp
Classification: Uncertain significance for Aortic aneurysm, familial thoracic 4. Last evaluated: 2024-11-05. Review status: criteria provided, single submitter. Criteria: Invitae Variant Classification Sherloc (09022015). Collection method: clinical testing. Allele origin: germline.
Comment: This sequence change replaces aspartic acid, which is acidic and polar, with glutamic acid, which is acidic and polar, at codon 1442 of the MYH11 protein (p.Asp1442Glu). This variant is not present in population databases (gnomAD no frequency). This variant has not been reported in the literature in individuals affected with MYH11-related conditions. Invitae Evidence Modeling of protein sequence and biophysical properties (such as structural, functional, and spatial information, amino acid conservation, physicochemical variation, residue mobility, and thermodynamic stability) indicates that this missense variant is not expected to disrupt MYH11 protein function with a negative predictive value of 95%. In summary, the available evidence is currently insufficient to determine the role of this variant in disease. Therefore, it has been classified as a Variant of Uncertain Significance.